The following is an entry in ClinVar:

NM_006063.3(KLHL41):c.743T>C (p.Leu248Pro)

Gene: KLHL41 (kelch like family member 41; plus strand). Cytogenetic location: 2q31.1.
Variant type: single nucleotide variant.
Coding change: c.743T>C on transcript NM_006063.3 (MANE Select); coding-DNA position 743, T replaced by C.
Protein change: p.Leu248Pro; replaces leucine 248 with proline.
Molecular consequence: missense variant.
Genome position (GRCh38, 1-based): chr2:169,510,521, T>C. VCF-style: chr2-169510521-T-C. GRCh37 (hg19) VCF-style: chr2-170367031-T-C.
Other names: short protein forms L248P.
Identifiers: ClinVar variation 847111 (VCV000847111.9), dbSNP rs1684014498, ClinGen allele CA349176145.

ClinVar aggregate classification (germline): Uncertain significance (1 of 4 stars; one submission).

Conditions:
Nemaline myopathy 9 (NEM9). Identifiers: MedGen C3810384, MONDO:0014326, OMIM 615731.

Allele frequency attached by ClinVar (database versions not stated): gnomAD exomes below 0.00001.

Submission:

Labcorp Genetics (formerly Invitae), Labcorp
Classification: Uncertain significance for Nemaline myopathy 9. Last evaluated: 2020-02-17. Review status: criteria provided, single submitter. Criteria: Invitae Variant Classification Sherloc (09022015). Collection method: clinical testing. Allele origin: germline.
Comment: This variant is not present in population databases (ExAC no frequency). This sequence change replaces leucine with proline at codon 248 of the KLHL41 protein (p.Leu248Pro). The leucine residue is moderately conserved and there is a moderate physicochemical difference between leucine and proline. This variant has not been reported in the literature in individuals with KLHL41-related conditions. Algorithms developed to predict the effect of missense changes on protein structure and function (SIFT, PolyPhen-2, Align-GVGD) all suggest that this variant is likely to be disruptive, but these predictions have not been confirmed by published functional studies and their clinical significance is uncertain. In summary, the available evidence is currently insufficient to determine the role of this variant in disease. Therefore, it has been classified as a Variant of Uncertain Significance.